The following is an entry in ClinVar:

NM_007126.5(VCP):c.1460G>A (p.Arg487His)

Gene: VCP (valosin containing protein; minus strand). Cytogenetic location: 9p13.3.
Variant type: single nucleotide variant.
Coding change: c.1460G>A on transcript NM_007126.5 (MANE Select); coding-DNA position 1460, G replaced by A.
Protein change: p.Arg487His; replaces arginine 487 with histidine.
Molecular consequence: missense variant.
Genome position (GRCh38, 1-based): chr9:35,060,823, C>T on the plus strand (G>A on the coding strand, the complement: VCP is on the minus strand). VCF-style: chr9-35060823-C-T. GRCh37 (hg19) VCF-style: chr9-35060820-C-T.
Other names: p.Arg487His; c.1325G>A, p.Arg442His (NM_001354927.2, NM_001354928.2); short protein forms R442H, R487H.
Identifiers: ClinVar variation 1335727 (VCV001335727.42), dbSNP rs767379602, ClinGen allele CA5039250.

ClinVar aggregate classification (germline): Conflicting classifications of pathogenicity. Review status: criteria provided, conflicting classifications (1 of 4 stars). 4 submissions from 4 submitters: Pathogenic (1); Likely pathogenic (1); Uncertain significance (2). Last evaluated 2023-04-24.

Conditions:
Inclusion body myopathy with Paget disease of bone and frontotemporal dementia. Also called: Inclusion body myopathy with early-onset Paget disease and frontotemporal dementia. Identifiers: Orphanet 52430, MedGen C1833662, MONDO:0000507.
Frontotemporal dementia and/or amyotrophic lateral sclerosis 6 (FTDALS6). Also called: VCP-Related Amyotrophic Lateral Sclerosis/Frontotemporal Dementia; VCP-Related Amyotrophic Lateral Sclerosis. Identifiers: Orphanet 275872, Orphanet 803, MedGen C5436279, MONDO:0013501, OMIM 613954.

Allele frequency attached by ClinVar (database versions not stated): ExAC 0.00001; gnomAD 0.00001; gnomAD exomes 0.00001; TOPMed 0.00001.

Submissions (4):

Labcorp Genetics (formerly Invitae), Labcorp
Classification: Pathogenic for Inclusion body myopathy with Paget disease of bone and frontotemporal dementia; Frontotemporal dementia and/or amyotrophic lateral sclerosis 6. Last evaluated: 2023-04-24. Review status: criteria provided, single submitter. Criteria: Invitae Variant Classification Sherloc (09022015). Collection method: clinical testing. Allele origin: germline.
Comment: This sequence change replaces arginine, which is basic and polar, with histidine, which is basic and polar, at codon 487 of the VCP protein (p.Arg487His). For these reasons, this variant has been classified as Pathogenic. Experimental studies have shown that this missense change affects VCP function (PMID: 25457024). Advanced modeling of protein sequence and biophysical properties (such as structural, functional, and spatial information, amino acid conservation, physicochemical variation, residue mobility, and thermodynamic stability) performed at Invitae indicates that this missense variant is not expected to disrupt VCP protein function. ClinVar contains an entry for this variant (Variation ID: 1335727). This missense change has been observed in individuals with amyotrophic lateral sclerosis (PMID: 25457024, 28738334, 33415820; Invitae). This variant is present in population databases (rs767379602, gnomAD 0.01%).

Mayo Clinic Laboratories, Mayo Clinic
Classification: Likely pathogenic. Last evaluated: 2023-02-10. Review status: criteria provided, single submitter. Criteria: ACMG Guidelines, 2015. Collection method: clinical testing. Allele origin: germline. Observed: 1 variant allele.
Comment: PP2, PP3, PM1, PS4_moderate

CeGaT Center for Human Genetics Tuebingen
Classification: Uncertain significance. Last evaluated: 2021-10-01. Review status: criteria provided, single submitter. Criteria: CeGaT Center For Human Genetics Tuebingen Variant Classification Criteria Version 2. Collection method: clinical testing. Allele origin: germline. Affected: yes. Observed: 1 variant allele.

Revvity Omics, Revvity
Classification: Uncertain significance. Last evaluated: 2019-11-22. Review status: criteria provided, single submitter. Criteria: ACMG Guidelines, 2015. Collection method: clinical testing. Allele origin: germline.

Literature cited by the submitters: PubMed 25457024 (cited by Labcorp Genetics (formerly Invitae), Labcorp and Mayo Clinic Laboratories, Mayo Clinic); PubMed 28738334 (cited by Labcorp Genetics (formerly Invitae), Labcorp and Mayo Clinic Laboratories, Mayo Clinic); PubMed 33415820 (cited by Labcorp Genetics (formerly Invitae), Labcorp and Mayo Clinic Laboratories, Mayo Clinic); PubMed 12446676 (cited by Mayo Clinic Laboratories, Mayo Clinic); PubMed 27538664 (cited by Mayo Clinic Laboratories, Mayo Clinic); PubMed 35741724 (cited by Mayo Clinic Laboratories, Mayo Clinic).